The following is an entry in ClinVar:

NM_001387430.1(SH2B1):c.1940C>A (p.Pro647His)

Gene: SH2B1 (SH2B adaptor protein 1; plus strand). Cytogenetic location: 16p11.2.
Variant type: single nucleotide variant.
Coding change: c.1940C>A on transcript NM_001387430.1 (MANE Select); coding-DNA position 1940, C replaced by A.
Protein change: p.Pro647His; replaces proline 647 with histidine.
Molecular consequence: missense variant. On other transcripts: 3 prime UTR variant (5).
Genome position (GRCh38, 1-based): chr16:28,873,489, C>A. VCF-style: chr16-28873489-C-A. GRCh37 (hg19) VCF-style: chr16-28884810-C-A.
Other names: c.1940C>A, p.Pro647His (NM_001145795.2, NM_001308293.2, NM_001387404.1); c.*24C>A (NM_001145796.2, NM_001145812.2, NM_001308294.2 and 1 more transcripts); c.*41C>A (NM_001145797.2); short protein forms P647H.
Identifiers: ClinVar variation 4984532 (VCV004984532.1).

ClinVar aggregate classification (germline): Uncertain significance (1 of 4 stars; one submission).

Conditions:
SH2B1-related disorder. Also called: SH2B1-related condition.

gnomAD v4.1: 4 of 1,583,200 alleles (0.00025%); highest among the groups gnomAD compares: Non-Finnish European, 0.00026%; no homozygotes.

Submission:

PreventionGenetics, part of Exact Sciences
Classification: Uncertain significance for SH2B1-related condition. Last evaluated: 2025-08-07. Review status: criteria provided, single submitter. Criteria: ACMG Guidelines, 2015. Collection method: clinical testing. Allele origin: germline.
Comment: The SH2B1 c.1940C>A variant is predicted to result in the amino acid substitution p.Pro647His. To our knowledge, this variant has not been reported in the literature. This variant is reported in 0.00098% of alleles in individuals of European (Non-Finnish) descent in gnomAD. At this time, the clinical significance of this variant is uncertain due to the absence of conclusive functional and genetic evidence.